The following is an entry in ClinVar:

ClinVar aggregate classification (germline): Uncertain significance. Review status: criteria provided, multiple submitters, no conflicts (2 of 4 stars). 3 submissions from 3 submitters: Uncertain significance (2). 1 of the submissions does not count toward it. Last evaluated 2025-05-01.

Conditions:
Glycogen storage disease type III (GSD3). Also called: FORBES DISEASE; Cori disease. Identifiers: Orphanet 366, MedGen C0017922, MONDO:0009291, OMIM 232400.
Inborn genetic diseases. Identifiers: MedGen C0950123, MeSH D030342.

Allele frequency attached by ClinVar (database versions not stated): TOPMed 0.00001.
gnomAD v4.1: 3 of 1,614,118 alleles (0.00019%); highest among the groups gnomAD compares: Admixed American, 0.0033%; no homozygotes.

Submissions (3):

Ambry Genetics
Classification: Uncertain significance for Inborn genetic diseases. Last evaluated: 2025-05-01. Review status: criteria provided, single submitter. Criteria: Ambry Variant Classification Scheme 2023. Collection method: clinical testing. Allele origin: germline.

Labcorp Genetics (formerly Invitae), Labcorp
Classification: Uncertain significance for Glycogen storage disease type III. Last evaluated: 2022-08-01. Review status: criteria provided, single submitter. Criteria: Invitae Variant Classification Sherloc (09022015). Collection method: clinical testing. Allele origin: germline.
Comment: This sequence change replaces glycine, which is neutral and non-polar, with serine, which is neutral and polar, at codon 697 of the AGL protein (p.Gly697Ser). This variant is present in population databases (rs771211030, gnomAD 0.006%). This variant has not been reported in the literature in individuals affected with AGL-related conditions. ClinVar contains an entry for this variant (Variation ID: 565335). Algorithms developed to predict the effect of missense changes on protein structure and function are either unavailable or do not agree on the potential impact of this missense change (SIFT: "Deleterious"; PolyPhen-2: "Probably Damaging"; Align-GVGD: "Class C0"). In summary, the available evidence is currently insufficient to determine the role of this variant in disease. Therefore, it has been classified as a Variant of Uncertain Significance.

Natera, Inc.
Classification: Uncertain significance for Glycogen storage disease type III. Last evaluated: 2019-10-28. Review status: no assertion criteria provided. Collection method: clinical testing. Allele origin: germline. Not counted in ClinVar's aggregate classification.

NM_000642.3(AGL):c.2089G>A (p.Gly697Ser)

Gene: AGL (amylo-alpha-1,6-glucosidase and 4-alpha-glucanotransferase; plus strand). Cytogenetic location: 1p21.2.
Variant type: single nucleotide variant.
Coding change: c.2089G>A on transcript NM_000642.3 (MANE Select); coding-DNA position 2089, G replaced by A.
Protein change: p.Gly697Ser; replaces glycine 697 with serine.
Molecular consequence: missense variant.
Genome position (GRCh38, 1-based): chr1:99,881,379, G>A. VCF-style: chr1-99881379-G-A. GRCh37 (hg19) VCF-style: chr1-100346935-G-A.
Other names: c.2089G>A, p.Gly697Ser (NM_000028.3, NM_000643.3, NM_000644.3 and 2 more transcripts); c.2041G>A, p.Gly681Ser (NM_000646.3); c.1888G>A, p.Gly630Ser (NM_001425327.1); c.1885G>A, p.Gly629Ser (NM_001425328.1, NM_001425329.1); c.1711G>A, p.Gly571Ser (NM_001425332.1); short protein forms G697S, G681S, G571S, G629S, G630S.
Identifiers: ClinVar variation 565335 (VCV000565335.9), dbSNP rs771211030, ClinGen allele CA966692.